The following is an entry in ClinVar:

Conditions:
Breast-ovarian cancer, familial, susceptibility to, 1 (BROVCA1). Also called: BRCA1 Hereditary Breast and Ovarian Cancer; OVARIAN CANCER, SUSCEPTIBILITY TO. Identifiers: Orphanet 145, MedGen C2676676, MONDO:0011450, OMIM 604370. Disease mechanism: loss of function.

Submission:

Brotman Baty Institute, University of Washington
No classification provided (evidence only). Condition: Breast-ovarian cancer, familial 1. Review status: no classification provided. Collection method: in vitro. Allele origin: not applicable. Functional consequence: functionally_normal.
ClinVar note: "not provided" was previously submitted as the classification for the variant. However, the classification appeared to be based only on an observation of functional data so it was converted to no classification on 2025-07-30.

NM_007294.4(BRCA1):c.5481G>C (p.Met1827Ile)

Gene: BRCA1 (BRCA1 DNA repair associated; minus strand). Cytogenetic location: 17q21.31.
Variant type: single nucleotide variant.
Coding change: c.5481G>C on transcript NM_007294.4 (MANE Select); coding-DNA position 5481, G replaced by C.
Protein change: p.Met1827Ile; replaces methionine 1827 with isoleucine.
Molecular consequence: missense variant. On other transcripts: non-coding transcript variant (1).
Genome position (GRCh38, 1-based): chr17:43,045,789, C>G on the plus strand (G>C on the coding strand, the complement: BRCA1 is on the minus strand). VCF-style: chr17-43045789-C-G. GRCh37 (hg19) VCF-style: chr17-41197806-C-G.
Other names: c.2163G>C, p.Met721Ile (NM_001408406.1, NM_001408407.1, NM_001408408.1); c.2160G>C, p.Met720Ile (NM_001408409.1); c.2097G>C, p.Met699Ile (NM_001408410.1); c.2094G>C, p.Met698Ile (NM_001408411.1); c.2091G>C, p.Met697Ile (NM_001408412.1, NM_001408413.1, NM_001408414.1 and 2 more transcripts); c.5481G>C, p.Met1827Ile (NM_001407603.1, NM_001407605.1, NM_001407593.1 and 5 more transcripts); c.5478G>C, p.Met1826Ile (NM_001407610.1, NM_001407611.1, NM_001407612.1 and 14 more transcripts); c.5268G>C, p.Met1756Ile (NM_001407898.1, NM_001407899.1, NM_001407900.1 and 12 more transcripts); and 83 more; short protein forms M1780I, M1848I, M723I, M1827I, V699L, M1673I, M1698I, M1699I.
Identifiers: ClinVar variation 867586 (VCV000867586.3), dbSNP rs587782432, ClinGen allele CA10590357.